The following is an entry in ClinVar:

ClinVar aggregate classification (germline): Uncertain significance (1 of 4 stars; one submission).

Conditions:
Fructose-biphosphatase deficiency (FBP1D). Also called: Fructose-1,6-Diphosphatase Deficiency; Fructose 1,6 Bisphosphatase Deficiency; Fructose-1,6-Bisphosphatase 1 Deficiency. Identifiers: Orphanet 348, MedGen C0016756, MONDO:0009251, OMIM 229700.

Allele frequency attached by ClinVar (database versions not stated): gnomAD 0.00003; TOPMed 0.00003; ExAC 0.00011; ESP Exome Variant Server 0.00015.
gnomAD v4.1: 95 of 1,614,002 alleles (0.0059%); highest among the groups gnomAD compares: Non-Finnish European, 0.0072%; no homozygotes.

Submission:

Labcorp Genetics (formerly Invitae), Labcorp
Classification: Uncertain significance for Fructose-biphosphatase deficiency. Last evaluated: 2022-01-07. Review status: criteria provided, single submitter. Criteria: Invitae Variant Classification Sherloc (09022015). Collection method: clinical testing. Allele origin: germline.
Comment: This sequence change replaces proline, which is neutral and non-polar, with leucine, which is neutral and non-polar, at codon 108 of the FBP1 protein (p.Pro108Leu). This variant is present in population databases (rs202079958, gnomAD 0.01%). This variant has not been reported in the literature in individuals affected with FBP1-related conditions. Advanced modeling of protein sequence and biophysical properties (such as structural, functional, and spatial information, amino acid conservation, physicochemical variation, residue mobility, and thermodynamic stability) performed at Invitae indicates that this missense variant is not expected to disrupt FBP1 protein function. In summary, the available evidence is currently insufficient to determine the role of this variant in disease. Therefore, it has been classified as a Variant of Uncertain Significance.

NM_000507.4(FBP1):c.323C>T (p.Pro108Leu)

Gene: FBP1 (fructose-bisphosphatase 1; minus strand). Cytogenetic location: 9q22.32.
Variant type: single nucleotide variant.
Coding change: c.323C>T on transcript NM_000507.4 (MANE Select); coding-DNA position 323, C replaced by T.
Protein change: p.Pro108Leu; replaces proline 108 with leucine.
Molecular consequence: missense variant.
Genome position (GRCh38, 1-based): chr9:94,620,339, G>A on the plus strand (C>T on the coding strand, the complement: FBP1 is on the minus strand). VCF-style: chr9-94620339-G-A. GRCh37 (hg19) VCF-style: chr9-97382621-G-A.
Other names: c.323C>T, p.Pro108Leu (NM_001127628.2); short protein forms P108L.
Identifiers: ClinVar variation 2418657 (VCV002418657.3), dbSNP rs202079958, ClinGen allele CA5136293.